The following is an entry in ClinVar:

ClinVar aggregate classification (germline): Uncertain significance (1 of 4 stars; one submission).

gnomAD v4.1: 1 of 1,613,932 alleles (0.000062%); highest among the groups gnomAD compares: Admixed American, 0.0017%; no homozygotes.

Submission:

Labcorp Genetics (formerly Invitae), Labcorp
Classification: Uncertain significance. Last evaluated: 2025-10-01. Review status: criteria provided, single submitter. Criteria: Invitae Variant Classification Sherloc (09022015). Collection method: clinical testing. Allele origin: germline.
Comment: This sequence change replaces alanine, which is neutral and non-polar, with serine, which is neutral and polar, at codon 1807 of the SRCAP protein (p.Ala1807Ser). This variant is present in population databases (no rsID available, gnomAD 0.003%). This variant has not been reported in the literature in individuals affected with SRCAP-related conditions. Invitae Evidence Modeling of protein sequence and biophysical properties (such as structural, functional, and spatial information, amino acid conservation, physicochemical variation, residue mobility, and thermodynamic stability) indicates that this missense variant is not expected to disrupt SRCAP protein function with a negative predictive value of 80%. In summary, the available evidence is currently insufficient to determine the role of this variant in disease. Therefore, it has been classified as a Variant of Uncertain Significance.

NM_006662.3(SRCAP):c.5419G>T (p.Ala1807Ser)

Gene: SRCAP (Snf2 related CREBBP activator protein; plus strand). Cytogenetic location: 16p11.2.
Variant type: single nucleotide variant.
Coding change: c.5419G>T on transcript NM_006662.3 (MANE Select); coding-DNA position 5419, G replaced by T.
Protein change: p.Ala1807Ser; replaces alanine 1807 with serine.
Molecular consequence: missense variant.
Genome position (GRCh38, 1-based): chr16:30,724,843, G>T. VCF-style: chr16-30724843-G-T. GRCh37 (hg19) VCF-style: chr16-30736164-G-T.
Other names: short protein forms A1807S.
Identifiers: ClinVar variation 4696832 (VCV004696832.1).
Genomic context (GRCh38, chr16:30,724,843, plus strand): 5'-ACACTGACCTTGAGCCCTGCCCCAGTTCCTACCCTGGGCCCGGCCGCAGCTCAGACCTTG[G>T]CGCTGGCCCCAGCCTCCACACAGTCCCCAGCTTCCCAGGCATCTTCCCTTGTGGTTTCGG-3'
Protein context (NP_006653.2, residues 1797-1817): TLGPAAAQTL[Ala1807Ser]LAPASTQSPA